The following is an entry in ClinVar:

ClinVar aggregate classification (germline): Uncertain significance (1 of 4 stars; one submission).

Submission:

GeneDx
Classification: Uncertain significance. Last evaluated: 2025-01-07. Review status: criteria provided, single submitter. Criteria: GeneDx Variant Classification Process June 2021. Collection method: clinical testing. Allele origin: germline. Affected: yes.
Comment: Not observed at significant frequency in large population cohorts (gnomAD); In silico analysis supports that this missense variant has a deleterious effect on protein structure/function; Has not been previously published as pathogenic or benign to our knowledge

NM_015656.2(KIF26A):c.1205A>G (p.Gln402Arg)

Gene: KIF26A (kinesin family member 26A; plus strand). Cytogenetic location: 14q32.33.
Variant type: single nucleotide variant.
Coding change: c.1205A>G on transcript NM_015656.2 (MANE Select); coding-DNA position 1205, A replaced by G.
Protein change: p.Gln402Arg; replaces glutamine 402 with arginine.
Molecular consequence: missense variant.
Genome position (GRCh38, 1-based): chr14:104,171,814, A>G. VCF-style: chr14-104171814-A-G. GRCh37 (hg19) VCF-style: chr14-104638151-A-G.
Other names: short protein forms Q402R.
Identifiers: ClinVar variation 4056919 (VCV004056919.1).